The following is an entry in ClinVar:

NM_007289.4(MME):c.336T>A (p.Asp112Glu)

Gene: MME (membrane metalloendopeptidase; plus strand). Cytogenetic location: 3q25.2.
Variant type: single nucleotide variant.
Coding change: c.336T>A on transcript NM_007289.4 (MANE Select); coding-DNA position 336, T replaced by A.
Protein change: p.Asp112Glu; replaces aspartic acid 112 with glutamic acid.
Molecular consequence: missense variant.
Genome position (GRCh38, 1-based): chr3:155,115,133, T>A. VCF-style: chr3-155115133-T-A. GRCh37 (hg19) VCF-style: chr3-154832922-T-A.
Other names: c.336T>A, p.Asp112Glu (NM_000902.5, NM_001354642.2, NM_001354643.1 and 2 more transcripts); short protein forms D112E.
Identifiers: ClinVar variation 1415315 (VCV001415315.6), dbSNP rs2108251535, ClinGen allele CA355127652.

ClinVar aggregate classification (germline): Uncertain significance (1 of 4 stars; one submission).

Allele frequency attached by ClinVar (database versions not stated): gnomAD exomes below 0.00001.
gnomAD v4.1: 1 of 1,614,132 alleles (0.000062%); highest among the groups gnomAD compares: Non-Finnish European, 0.000085%; no homozygotes.

Submission:

Labcorp Genetics (formerly Invitae), Labcorp
Classification: Uncertain significance. Last evaluated: 2021-09-15. Review status: criteria provided, single submitter. Criteria: Invitae Variant Classification Sherloc (09022015). Collection method: clinical testing. Allele origin: germline.
Comment: This variant is not present in population databases (ExAC no frequency). This variant has not been reported in the literature in individuals affected with MME-related conditions. Algorithms developed to predict the effect of missense changes on protein structure and function are either unavailable or do not agree on the potential impact of this missense change (SIFT: "Tolerated"; PolyPhen-2: "Probably Damaging"; Align-GVGD: "Class C0"). In summary, the available evidence is currently insufficient to determine the role of this variant in disease. Therefore, it has been classified as a Variant of Uncertain Significance. This sequence change replaces aspartic acid with glutamic acid at codon 112 of the MME protein (p.Asp112Glu). The aspartic acid residue is moderately conserved and there is a small physicochemical difference between aspartic acid and glutamic acid.